The following is an entry in ClinVar:

ClinVar aggregate classification (germline): Conflicting classifications of pathogenicity. Review status: criteria provided, conflicting classifications (1 of 4 stars). 4 submissions from 4 submitters: Uncertain significance (3); Benign (1). Last evaluated 2026-06-01.

Conditions:
Chromosome 2q32-q33 deletion syndrome (GLASS). Also called: 2q33.1 deletion syndrome; Glass syndrome. Identifiers: Orphanet 251019, MedGen C2676739, MONDO:0012864, OMIM 612313.
Inborn genetic diseases. Identifiers: MedGen C0950123, MeSH D030342.

Allele frequency attached by ClinVar (database versions not stated): gnomAD exomes below 0.00001; TOPMed 0.00001; ExAC 0.00002.

Submissions (4):

CeGaT Center for Human Genetics Tuebingen
Classification: Uncertain significance. Last evaluated: 2026-06-01. Review status: criteria provided, single submitter. Criteria: CeGaT Center For Human Genetics Tuebingen Variant Classification Criteria Version 2. Collection method: clinical testing. Allele origin: germline. Affected: yes. Observed: 2 variant alleles.
Comment: SATB2: PP2, PP3

Ambry Genetics
Classification: Uncertain significance for Inborn genetic diseases. Last evaluated: 2025-08-02. Review status: criteria provided, single submitter. Criteria: Ambry Variant Classification Scheme 2023. Collection method: clinical testing. Allele origin: germline.

Labcorp Genetics (formerly Invitae), Labcorp
Classification: Benign for Chromosome 2q32-q33 deletion syndrome. Last evaluated: 2023-08-04. Review status: criteria provided, single submitter. Criteria: Invitae Variant Classification Sherloc (09022015). Collection method: clinical testing. Allele origin: germline.

Institute of Human Genetics, University Hospital of Duesseldorf
Classification: Uncertain significance for Chromosome 2q32-q33 deletion syndrome. Review status: criteria provided, single submitter. Criteria: ACMG Guidelines, 2015. Collection method: not provided. Allele origin: germline. Inheritance: Autosomal dominant inheritance. Affected: yes.

NM_001172509.2(SATB2):c.426G>A (p.Met142Ile)

Gene: SATB2 (SATB homeobox 2; minus strand). Cytogenetic location: 2q33.1.
Variant type: single nucleotide variant.
Coding change: c.426G>A on transcript NM_001172509.2 (MANE Select); coding-DNA position 426, G replaced by A.
Protein change: p.Met142Ile; replaces methionine 142 with isoleucine.
Molecular consequence: missense variant.
Genome position (GRCh38, 1-based): chr2:199,381,741, C>T on the plus strand (G>A on the coding strand, the complement: SATB2 is on the minus strand). VCF-style: chr2-199381741-C-T. GRCh37 (hg19) VCF-style: chr2-200246464-C-T.
Other names: c.426G>A, p.Met142Ile (NM_001172517.1, NM_015265.4); short protein forms M142I.
Identifiers: ClinVar variation 949573 (VCV000949573.35), dbSNP rs764205432, ClinGen allele CA2046088.